The following is an entry in ClinVar:

ClinVar aggregate classification (germline): Uncertain significance. Review status: criteria provided, multiple submitters, no conflicts (2 of 4 stars). 2 submissions from 2 submitters: Uncertain significance (2). Last evaluated 2025-12-11.

Allele frequency attached by ClinVar (database versions not stated): gnomAD exomes 0.00001; 1000 Genomes Project 0.00020; gnomAD 0.00001; ExAC 0.00004; 1000 Genomes Project 30x 0.00016; TOPMed below 0.00001.
gnomAD v4.1: 23 of 1,614,050 alleles (0.0014%); highest among the groups gnomAD compares: South Asian, 0.025%; no homozygotes.

Submissions (2):

Ambry Genetics
Classification: Uncertain significance. Last evaluated: 2025-12-11. Review status: criteria provided, single submitter. Criteria: Ambry Variant Classification Scheme 2023. Collection method: clinical testing. Allele origin: germline.

Labcorp Genetics (formerly Invitae), Labcorp
Classification: Uncertain significance. Last evaluated: 2025-06-25. Review status: criteria provided, single submitter. Criteria: Invitae Variant Classification Sherloc (09022015). Collection method: clinical testing. Allele origin: germline.
Comment: This sequence change replaces glutamic acid, which is acidic and polar, with lysine, which is basic and polar, at codon 94 of the DLC1 protein (p.Glu94Lys). This variant is present in population databases (rs549677737, gnomAD 0.03%). This variant has not been reported in the literature in individuals affected with DLC1-related conditions. ClinVar contains an entry for this variant (Variation ID: 2548014). An algorithm developed to predict the effect of missense changes on protein structure and function (PolyPhen-2) suggests that this variant is likely to be tolerated. Algorithms developed to predict the effect of sequence changes on RNA splicing suggest that this variant may create or strengthen a splice site. In summary, the available evidence is currently insufficient to determine the role of this variant in disease. Therefore, it has been classified as a Variant of Uncertain Significance.

NM_182643.3(DLC1):c.280G>A (p.Glu94Lys)

Gene: DLC1 (DLC1 Rho GTPase activating protein; minus strand). Cytogenetic location: 8p22.
Variant type: single nucleotide variant.
Coding change: c.280G>A on transcript NM_182643.3 (MANE Select); coding-DNA position 280, G replaced by A.
Protein change: p.Glu94Lys; replaces glutamic acid 94 with lysine.
Molecular consequence: missense variant. On other transcripts: 5 prime UTR variant (1).
Genome position (GRCh38, 1-based): chr8:13,499,792, C>T on the plus strand (G>A on the coding strand, the complement: DLC1 is on the minus strand). VCF-style: chr8-13499792-C-T. GRCh37 (hg19) VCF-style: chr8-13357301-C-T.
Other names: c.280G>A, p.Glu94Lys (NM_001348081.2, NM_001413124.1, NM_001413125.1 and 1 more transcripts); c.-1172G>A (NM_001348082.2); short protein forms E94K.
Identifiers: ClinVar variation 2548014 (VCV002548014.4), dbSNP rs549677737, ClinGen allele CA4639536.
Genomic context (GRCh38, chr8:13,499,792, plus strand): 5'-CCTCATCAGAAACATGCACTAGTGTTTCTGTGCTGGCTTCCAGAGAAAGAAACTGATCTT[C>T]ACCTTCATGGCTGTCATTTTCGTCCACATCCTTTGAAAGATGACCCATTGGCCTCCCAGG-3'
Protein context (NP_872584.2, residues 84-104): DVDENDSHEG[Glu94Lys]DQFLSLEAST